The following is an entry in ClinVar:

ClinVar aggregate classification (germline): Uncertain significance (1 of 4 stars; one submission).

Conditions:
Recurrent metabolic encephalomyopathic crises-rhabdomyolysis-cardiac arrhythmia-intellectual disability syndrome (MECRCN). Also called: METABOLIC CRISES, RECURRENT, WITH RHABDOMYOLYSIS, CARDIAC ARRHYTHMIAS, AND NEURODEGENERATION; TANGO2 Deficiency; Metabolic encephalomyopathic crises, recurrent, with rhabdomyolysis, cardiac arrhythmias, and neurodegeneration. Identifiers: Orphanet 480864, MedGen C5567524, MONDO:0018820, OMIM 616878.

Submission:

Broad Center for Mendelian Genomics, Broad Institute of MIT and Harvard
Classification: Uncertain significance for Recurrent metabolic encephalomyopathic crises-rhabdomyolysis-cardiac arrhythmia-intellectual disability syndrome. Last evaluated: 2021-05-21. Review status: criteria provided, single submitter. Criteria: ACMG Guidelines, 2015. Collection method: curation. Allele origin: germline. Inheritance: Autosomal recessive inheritance.
Comment: Although this variant has been seen in the general population in a heterozygous state, its frequency is low enough to be consistent with a recessive carrier frequency. This variant is a deletion of 1 amino acid at position 6 and is not predicted to alter the protein reading-frame. It is unclear if this deletion will impact the protein. In summary, the clinical significance of the p.Phe6del variant is uncertain. ACMG/AMP Criteria applied: PM2_supporting, PM3_supporting, PM4_supporting (Richards 2015).

NM_152906.7(TANGO2):c.12CTT[1] (p.Phe6del)

Gene: TANGO2 (transport and golgi organization 2 homolog; plus strand). Cytogenetic location: 22q11.21.
Variant type: Microsatellite.
Coding change: c.12CTT[1] on transcript NM_152906.7 (MANE Select); one copy of the 3-base unit CTT starting at c.12; the reference has two copies in a row; one copy, 3 bases deleted.
Protein change: p.Phe6del; deletes phenylalanine 6.
Molecular consequence: inframe deletion. On other transcripts: 5 prime UTR variant (20), non-coding transcript variant (5).
Genome position (GRCh38, 1-based): chr22:20,036,813-20,036,815, CTT deleted; deleting any 3 consecutive bases within chr22:20,036,809-20,036,815 gives the same sequence; the position shown is the placement nearest the transcript's 3' end. VCF-style (leftmost placement, unchanged base first): chr22-20036808-ATCT-A. GRCh37 (hg19) VCF-style: chr22-20024331-ATCT-A.
Other names: NM_001322175.2:c.-169_-167del; c.12CTT[1], p.Phe6del (NM_001283106.3, NM_001283116.3, NM_001283148.3 and 10 more transcripts); c.-106CTT[1] (NM_001283129.3, NM_001283215.3, NM_001322141.2 and 5 more transcripts); c.-168CTT[1] (NM_001283235.3, NM_001322146.2, NM_001322153.2 and 5 more transcripts); c.-408CTT[1] (NM_001322148.2, NM_001322150.2, NM_001322172.2 and 1 more transcripts); short protein forms F6del.
Identifiers: ClinVar variation 1312505 (VCV001312505.2), dbSNP rs1228744373, ClinGen allele CA638504798.